The following is an entry in ClinVar:

ClinVar aggregate classification (germline): Conflicting classifications of pathogenicity. Review status: criteria provided, conflicting classifications (1 of 4 stars). 7 submissions from 7 submitters: Pathogenic (1); Uncertain significance (1); Benign (3). 2 of the submissions do not count toward it. Last evaluated 2024-03-26.

Conditions:
Mannose-binding lectin deficiency. Also called: MBP DEFICIENCY; MBL DEFICIENCY; MBL2 DEFICIENCY; LECTIN COMPLEMENT ACTIVATION PATHWAY, DEFECT IN, 1; Chronic infections, due to MBL deficiency. Identifiers: MedGen C3280586, MONDO:0013714, OMIM 614372.
Cystic fibrosis (CF). Also called: MUCOVISCIDOSIS. Identifiers: Orphanet 586, MedGen C0010674, MONDO:0009061, OMIM 219700. Disease mechanism: loss of function.

Allele frequency attached by ClinVar (database versions not stated): gnomAD 0.04872 and 0.04964; gnomAD exomes 0.05557; ExAC 0.05695; 1000 Genomes Project 0.02716; 1000 Genomes Project 30x 0.02748; TOPMed 0.04630.
gnomAD v4.1: 103,844 of 1,613,662 alleles (6.4%); highest among the groups gnomAD compares: Non-Finnish European, 7.2%; 3,819 homozygotes.

Submissions (7):

Genomic Medicine Center of Excellence, King Faisal Specialist Hospital and Research Centre
Classification: Benign for Mannose-binding lectin deficiency. Last evaluated: 2024-03-26. Review status: criteria provided, single submitter. Criteria: ACMG Guidelines, 2015. Collection method: clinical testing. Allele origin: germline.

Labcorp Genetics (formerly Invitae), Labcorp
Classification: Benign. Last evaluated: 2024-02-09. Review status: criteria provided, single submitter. Criteria: Invitae Variant Classification Sherloc (09022015). Collection method: clinical testing. Allele origin: germline.

Department of Pathology and Laboratory Medicine, Sinai Health System
Classification: Benign for Mannose-binding lectin deficiency. Last evaluated: 2023-05-01. Review status: criteria provided, single submitter. Criteria: ACMG Guidelines, 2015. Collection method: research. Allele origin: germline.

CeGaT Center for Human Genetics Tuebingen
Classification: Uncertain significance. Last evaluated: 2021-07-01. Review status: criteria provided, single submitter. Criteria: CeGaT Center For Human Genetics Tuebingen Variant Classification Criteria Version 2. Collection method: clinical testing. Allele origin: germline. Affected: yes. Observed: 1 variant allele.

Illumina Laboratory Services, Illumina
Classification: Pathogenic for Mannose-binding lectin deficiency. Last evaluated: 2018-12-11. Review status: criteria provided, single submitter. Criteria: ICSL Variant Classification Criteria 09 May 2019. Collection method: clinical testing. Allele origin: germline.
Comment: The MLB2 c.154C>T (p.Arg52Cys) missense variant, commonly referred to as the "D" allele, has been described in at least one study in individuals with recurrent infections and low serum MBP levels in which it was found in a compound heterozygous state with another missense variant in one individual with a very low serum MBP level and in a homozygous state in another individual with no detectable serum MBP level (Summerfield et al. 1995). The p.Arg52Cys variant has also been investigated in healthy unrelated individuals with low or undetectable MBP levels (Madsen et al. 1994; Babovic-Vuksanovic et al. 1999) and found at a frequency of 0.05 in both the African and Caucasian populations in both a compound heterozygous state and a heterozygous state. Functional studies by Liu et al. (2012) showed that the p.Arg52Cys variant did not affect gene transcription or protein secretion, but did result in a lower level of oligomerization, a loss of ability to bind mannan, a reduced ability to bind to MASP1 and MASP2 and failed to activate the complement system. However, it should be noted that MBL deficiency is very common. The p.Arg52Cys variant is reported at a frequency of is 0.11111 in the Finnish population of the 1000 Genomes Project. While the allele frequency for this variant appears to be high, multiple studies referenced in this paragraph have shown a significant over-representation of this variant in individuals with low levels of mannose-binding lectin as compared to controls. Many individuals who carry MBL2 variants classified as pathogenic do not develop clinical complications. Based on the evidence, the p.Arg52Cys variant is classified as pathogenic for mannose-binding lectin deficiency. This variant was observed by ICSL as part of a predisposition screen in an ostensibly healthy population.

Center for Computational Genomics and Data Science, University of Alabama
Classification: risk factor for Cystic fibrosis. Last evaluated: 2019-04-01. Review status: no assertion criteria provided. Collection method: research. Allele origin: germline. Affected: yes. Observed: 2 variant alleles, 2 heterozygotes. Not counted in ClinVar's aggregate classification.

OMIM
Classification: Pathogenic for MANNOSE-BINDING LECTIN DEFICIENCY. Last evaluated: 2006-08-01. Review status: no assertion criteria provided. Collection method: literature only. Allele origin: germline. Not counted in ClinVar's aggregate classification.

Literature cited by the submitters: PubMed 22323042 (cited by Illumina Laboratory Services, Illumina and Center for Computational Genomics and Data Science, University of Alabama); PubMed 8206524 (cited by Illumina Laboratory Services, Illumina and OMIM); PubMed 7707811 (cited by Illumina Laboratory Services, Illumina); PubMed 10071515 (cited by Illumina Laboratory Services, Illumina); PubMed 18292811 (cited by Center for Computational Genomics and Data Science, University of Alabama); PubMed 10449435 (cited by Center for Computational Genomics and Data Science, University of Alabama); PubMed 25178872 (cited by Center for Computational Genomics and Data Science, University of Alabama); PubMed 22940091 (cited by Center for Computational Genomics and Data Science, University of Alabama); PubMed 22377282 (cited by Center for Computational Genomics and Data Science, University of Alabama); PubMed 15674393 (cited by Center for Computational Genomics and Data Science, University of Alabama); PubMed 20068595 (cited by Center for Computational Genomics and Data Science, University of Alabama); PubMed 24753481 (cited by Center for Computational Genomics and Data Science, University of Alabama); PubMed 16912583 (cited by OMIM).

NM_001378373.1(MBL2):c.154C>T (p.Arg52Cys)

Gene: MBL2 (mannose binding lectin 2; minus strand). Cytogenetic location: 10q21.1.
Variant type: single nucleotide variant.
Coding change: c.154C>T on transcript NM_001378373.1 (MANE Select); coding-DNA position 154, C replaced by T.
Protein change: p.Arg52Cys; replaces arginine 52 with cysteine.
Molecular consequence: missense variant.
Genome position (GRCh38, 1-based): chr10:52,771,482, G>A on the plus strand (C>T on the coding strand, the complement: MBL2 is on the minus strand). VCF-style: chr10-52771482-G-A. GRCh37 (hg19) VCF-style: chr10-54531242-G-A.
Other names: R52C; c.154C>T, p.Arg52Cys (NM_000242.3, NM_001378374.1).
Identifiers: ClinVar variation 14352 (VCV000014352.44), dbSNP rs5030737, ClinGen allele CA123885.
Genomic context (GRCh38, chr10:52,771,482, plus strand): 5'-GCAGAGACAGAACAGCCCAACACGTACCTGGTTCCCCCTTTTCTCCCTTGGTGCCATCAC[G>A]CCCATCTTTGCCTGGGAAGCCGTTGATGCCTGGAGAGCTACAGGCAATCACTGCAGGGCA-3'
Protein context (NP_001365302.1, residues 42-62): GINGFPGKDG[Arg52Cys]DGTKGEKGEP